The following is an entry in ClinVar:

NM_001375883.1(GPR161):c.142A>G (p.Ile48Val)

Gene: GPR161 (G protein-coupled receptor 161; minus strand). Cytogenetic location: 1q24.2.
Variant type: single nucleotide variant.
Coding change: c.142A>G on transcript NM_001375883.1 (MANE Select); coding-DNA position 142, A replaced by G.
Protein change: p.Ile48Val; replaces isoleucine 48 with valine.
Molecular consequence: missense variant. On other transcripts: intron variant (4).
Genome position (GRCh38, 1-based): chr1:168,104,709, T>C on the plus strand (A>G on the coding strand, the complement: GPR161 is on the minus strand). VCF-style: chr1-168104709-T-C. GRCh37 (hg19) VCF-style: chr1-168073947-T-C.
Other names: c.142A>G, p.Ile48Val (NM_001375885.1, NM_001381909.1, NM_001267610.2 and 5 more transcripts); c.202A>G, p.Ile68Val (NM_001267609.1); c.193A>G, p.Ile65Val (NM_001267611.1); c.-22-7477A>G (NM_001349635.1, NM_001267612.2); c.33-7477A>G (NM_001267614.1); c.141-7477A>G (NM_001267613.1); short protein forms I65V, I48V, I68V.
Identifiers: ClinVar variation 3643883 (VCV003643883.2).

ClinVar aggregate classification (germline): Uncertain significance (1 of 4 stars; one submission).

Submission:

Labcorp Genetics (formerly Invitae), Labcorp
Classification: Uncertain significance. Last evaluated: 2024-03-01. Review status: criteria provided, single submitter. Criteria: Invitae Variant Classification Sherloc (09022015). Collection method: clinical testing. Allele origin: germline.
Comment: This sequence change replaces isoleucine, which is neutral and non-polar, with valine, which is neutral and non-polar, at codon 68 of the GPR161 protein (p.Ile68Val). This variant is not present in population databases (gnomAD no frequency). This variant has not been reported in the literature in individuals affected with GPR161-related conditions. Algorithms developed to predict the effect of missense changes on protein structure and function output the following: SIFT: "Not Available"; PolyPhen-2: "Benign"; Align-GVGD: "Not Available". The valine amino acid residue is found in multiple mammalian species, which suggests that this missense change does not adversely affect protein function. In summary, the available evidence is currently insufficient to determine the role of this variant in disease. Therefore, it has been classified as a Variant of Uncertain Significance.